The following is an entry in ClinVar:

ClinVar aggregate classification (germline): Uncertain significance (1 of 4 stars; one submission).

Conditions:
Hereditary spastic paraplegia 11. Also called: Spastic paraplegia, mental retardation and thin corpus callosum; SPASTIC PARAPLEGIA, AUTOSOMAL RECESSIVE, COMPLICATED, WITH THIN CORPUS CALLOSUM; SPASTIC PARAPLEGIA, AUTOSOMAL RECESSIVE, WITH MENTAL IMPAIRMENT AND THIN CORPUS CALLOSUM; Nakamura Osame syndrome; Autosomal recessive hereditary spastic paraplegia, mental impairment, and thin corpus callosum; Spastic Paraplegia 11. Identifiers: Orphanet 2822, MedGen C1858479, MONDO:0011445, OMIM 604360.

Allele frequency attached by ClinVar (database versions not stated): gnomAD exomes below 0.00001; TOPMed 0.00001.
gnomAD v4.1: 5 of 1,614,086 alleles (0.00031%); highest among the groups gnomAD compares: South Asian, 0.0033%; no homozygotes.

Submission:

Labcorp Genetics (formerly Invitae), Labcorp
Classification: Uncertain significance for Hereditary spastic paraplegia 11. Last evaluated: 2021-06-23. Review status: criteria provided, single submitter. Criteria: Invitae Variant Classification Sherloc (09022015). Collection method: clinical testing. Allele origin: germline.
Comment: In summary, the available evidence is currently insufficient to determine the role of this variant in disease. Therefore, it has been classified as a Variant of Uncertain Significance. Algorithms developed to predict the effect of missense changes on protein structure and function are either unavailable or do not agree on the potential impact of this missense change (SIFT: "Tolerated"; PolyPhen-2: "Probably Damaging"; Align-GVGD: "Class C0"). This variant has not been reported in the literature in individuals with SPG11-related conditions. This variant is not present in population databases (ExAC no frequency). This sequence change replaces glutamic acid with alanine at codon 2078 of the SPG11 protein (p.Glu2078Ala). The glutamic acid residue is highly conserved and there is a moderate physicochemical difference between glutamic acid and alanine.

NM_025137.4(SPG11):c.6233A>C (p.Glu2078Ala)

Gene: SPG11 (SPG11 vesicle trafficking associated, spatacsin; minus strand). Cytogenetic location: 15q21.1.
Variant type: single nucleotide variant.
Coding change: c.6233A>C on transcript NM_025137.4 (MANE Select); coding-DNA position 6233, A replaced by C.
Protein change: p.Glu2078Ala; replaces glutamic acid 2078 with alanine.
Molecular consequence: missense variant.
Genome position (GRCh38, 1-based): chr15:44,572,793, T>G on the plus strand (A>C on the coding strand, the complement: SPG11 is on the minus strand). VCF-style: chr15-44572793-T-G. GRCh37 (hg19) VCF-style: chr15-44864991-T-G.
Other names: c.5894A>C, p.Glu1965Ala (NM_001160227.2); short protein forms E2078A, E1965A.
Identifiers: ClinVar variation 1384064 (VCV001384064.8), dbSNP rs1302238562, ClinGen allele CA392217569.